The following is an entry in ClinVar:

ClinVar aggregate classification (germline): Benign/Likely benign. Review status: criteria provided, multiple submitters, no conflicts (2 of 4 stars). 5 submissions from 5 submitters: Benign (4); Likely benign (1). Last evaluated 2026-02-04.

Conditions:
Candidiasis, familial, 9 (CANDF9). Identifiers: Orphanet 1334, MedGen C4225324, MONDO:0014642, OMIM 616445.

Allele frequency attached by ClinVar (database versions not stated): 1000 Genomes Project 0.41514; 1000 Genomes Project 30x 0.42239; gnomAD exomes 0.48478 and 0.53074; TOPMed 0.52056; gnomAD 0.53219 and 0.54385; ESP Exome Variant Server 0.54378; ExAC 0.56204.
gnomAD v4.1: 812,042 of 1,531,072 alleles (53%); highest among the groups gnomAD compares: Non-Finnish European, 56%; 222,161 homozygotes.

Submissions (5):

Labcorp Genetics (formerly Invitae), Labcorp
Classification: Benign for Candidiasis, familial, 9. Last evaluated: 2026-02-04. Review status: criteria provided, single submitter. Criteria: Invitae Variant Classification Sherloc (09022015). Collection method: clinical testing. Allele origin: germline.

Blueprint Genetics
Classification: Likely benign. Last evaluated: 2024-11-26. Review status: criteria provided, single submitter. Criteria: ACMG Guidelines, 2015. Collection method: clinical testing. Allele origin: germline.

Unidad de Genómica Garrahan, Hospital de Pediatría Garrahan
Classification: Benign. Last evaluated: 2024-01-24. Review status: criteria provided, single submitter. Criteria: ACMG Guidelines, 2015. Collection method: clinical testing. Allele origin: germline. Affected: no. Observed: 66 variant alleles.
Comment: This variant is classified as Benign based on local population frequency. This variant was detected in 69% of patients studied by a panel of primary immunodeficiencies. Number of patients: 66. Only high quality variants are reported.

Genome-Nilou Lab
Classification: Benign for Candidiasis, familial, 9. Last evaluated: 2021-08-19. Review status: criteria provided, single submitter. Criteria: ACMG Guidelines, 2015. Collection method: clinical testing. Allele origin: germline. Affected: no.

Breakthrough Genomics
Classification: Benign. Review status: criteria provided, single submitter. Criteria: ACMG Guidelines, 2015. Collection method: not provided. Allele origin: germline. Inheritance: Autosomal recessive inheritance. Affected: yes.

NM_153460.4(IL17RC):c.466-18T>C

Gene: IL17RC (interleukin 17 receptor C; plus strand). Cytogenetic location: 3p25.3.
Variant type: single nucleotide variant.
Coding change: c.466-18T>C on transcript NM_153460.4 (MANE Select); 18 bases into the intron before coding-DNA position 466, T replaced by C.
Molecular consequence: intron variant.
Genome position (GRCh38, 1-based): chr3:9,920,473, T>C. VCF-style: chr3-9920473-T-C. GRCh37 (hg19) VCF-style: chr3-9962157-T-C.
Other names: c.679-18T>C (NM_153461.4); c.466-18T>C (NM_001203263.2, NM_001203264.2, NM_001367278.1 and 3 more transcripts); c.391-18T>C (NM_001367279.1).
Identifiers: ClinVar variation 1168128 (VCV001168128.13), dbSNP rs783494, ClinGen allele CA2246851.